The following is an entry in ClinVar:

ClinVar aggregate classification (germline): Benign. Review status: criteria provided, multiple submitters, no conflicts (2 of 4 stars). 2 submissions from 2 submitters: Benign (2). Last evaluated 2018-01-12.

Conditions:
Arrhythmogenic right ventricular dysplasia 10. Also called: Arrhythmogenic Right Ventricular Dysplasia/Cardiomyopathy10; ARRHYTHMOGENIC RIGHT VENTRICULAR DYSPLASIA, FAMILIAL, 10; Arrhythmogenic right ventricular dysplasia/cardiomyopathy, type 10. Identifiers: MedGen C1857777, MONDO:0012434, OMIM 610193.

Allele frequency attached by ClinVar (database versions not stated): 1000 Genomes Project 0.54253; gnomAD 0.48313 and 0.47993; 1000 Genomes Project 30x 0.54497; TOPMed 0.49212.

Submissions (2):

Illumina Laboratory Services, Illumina
Classification: Benign for Arrhythmogenic right ventricular dysplasia 10. Last evaluated: 2018-01-12. Review status: criteria provided, single submitter. Criteria: ICSL Variant Classification Criteria 13 December 2019. Collection method: clinical testing. Allele origin: germline.
Comment: This variant was observed in the ICSL laboratory as part of a predisposition screen in an ostensibly healthy population. It had not been previously curated by ICSL or reported in the Human Gene Mutation Database (HGMD: prior to June 1st, 2018), and was therefore a candidate for classification through an automated scoring system. Utilizing variant allele frequency, disease prevalence and penetrance estimates, and inheritance mode, an automated score was calculated to assess if this variant is too frequent to cause the disease. Based on the score and internal cut-off values, a variant classified as benign is not then subjected to further curation. The score for this variant resulted in a classification of benign for this disease.

Breakthrough Genomics
Classification: Benign. Review status: criteria provided, single submitter. Criteria: ACMG Guidelines, 2015. Collection method: not provided. Allele origin: germline. Inheritance: Autosomal recessive inheritance. Affected: yes.

NM_001943.5(DSG2):c.*1866T>C

Genes: DSG2 (desmoglein 2; plus strand), DSG2-AS1 (DSG2 antisense RNA 1; minus strand). Cytogenetic location: 18q12.1.
Variant type: single nucleotide variant.
Coding change: c.*1866T>C on transcript NM_001943.5 (MANE Select); 1866 bases downstream of the stop codon, T replaced by C.
Molecular consequence: 3 prime UTR variant.
Genome position (GRCh38, 1-based): chr18:31,548,609, T>C. VCF-style: chr18-31548609-T-C. GRCh37 (hg19) VCF-style: chr18-29128572-T-C.
Other names: c.*1866T>C (LRG_397t1).
Identifiers: ClinVar variation 326539 (VCV000326539.6), dbSNP rs1047433, ClinGen allele CA10641396.
Genomic context (GRCh38, chr18:31,548,609, plus strand): 5'-GTTGTTTCTTTTATTATTATAGACTTACTATCAGTTTTATTTTGCCAAGTATGCAACAGG[T>C]ATATCACTAGTATATGAAAATGTAAATATCACTTGTGTACTCAAACAAAAGTTGGTCTTA-3'